The following is an entry in ClinVar:

NR_163594.1(SSPO):n.8279G>A

Variant type: single nucleotide variant.
Molecular consequence: non-coding transcript variant (on NR_163594.1).
Genome position: GRCh38 VCF-style: chr7-149803494-G-A. GRCh37 (hg19) VCF-style: chr7-149500582-G-A.
Identifiers: ClinVar variation 2658153 (VCV002658153.23), dbSNP rs199889455, ClinGen allele CA4557802.

ClinVar aggregate classification (germline): Likely benign (1 of 4 stars; one submission).

Submission:

CeGaT Center for Human Genetics Tuebingen
Classification: Likely benign. Last evaluated: 2023-04-01. Review status: criteria provided, single submitter. Criteria: CeGaT Center For Human Genetics Tuebingen Variant Classification Criteria Version 2. Collection method: clinical testing. Allele origin: germline. Affected: yes. Observed: 1 variant allele.
Comment: SSPOP: BS2